The following is an entry in ClinVar:

ClinVar aggregate classification (germline): Uncertain significance (1 of 4 stars; one submission).

Submission:

Labcorp Genetics (formerly Invitae), Labcorp
Classification: Uncertain significance. Last evaluated: 2025-06-12. Review status: criteria provided, single submitter. Criteria: Invitae Variant Classification Sherloc (09022015). Collection method: clinical testing. Allele origin: germline.
Comment: This sequence change replaces cysteine, which is neutral and slightly polar, with serine, which is neutral and polar, at codon 270 of the PLCE1 protein (p.Cys270Ser). This variant is not present in population databases (gnomAD no frequency). This variant has not been reported in the literature in individuals affected with PLCE1-related conditions. ClinVar contains an entry for this variant (Variation ID: 2827696). An algorithm developed to predict the effect of missense changes on protein structure and function outputs the following: PolyPhen-2: "Benign". The serine amino acid residue is found in multiple mammalian species, which suggests that this missense change does not adversely affect protein function. In summary, the available evidence is currently insufficient to determine the role of this variant in disease. Therefore, it has been classified as a Variant of Uncertain Significance.

NM_016341.4(PLCE1):c.809G>C (p.Cys270Ser)

Gene: PLCE1 (phospholipase C epsilon 1; plus strand). Cytogenetic location: 10q23.33.
Variant type: single nucleotide variant.
Coding change: c.809G>C on transcript NM_016341.4 (MANE Select); coding-DNA position 809, G replaced by C.
Protein change: p.Cys270Ser; replaces cysteine 270 with serine.
Molecular consequence: missense variant.
Genome position (GRCh38, 1-based): chr10:94,031,855, G>C. VCF-style: chr10-94031855-G-C. GRCh37 (hg19) VCF-style: chr10-95791612-G-C.
Other names: c.809G>C, p.Cys270Ser (NM_001288989.2); short protein forms C270S.
Identifiers: ClinVar variation 2827696 (VCV002827696.3), dbSNP rs187112223, ClinGen allele CA377636931.